The following is an entry in ClinVar:

NM_000255.4(MMUT):c.958G>A (p.Ala320Thr)

Gene: MMUT (methylmalonyl-CoA mutase; minus strand). Cytogenetic location: 6p12.3.
Variant type: single nucleotide variant.
Coding change: c.958G>A on transcript NM_000255.4 (MANE Select); coding-DNA position 958, G replaced by A.
Protein change: p.Ala320Thr; replaces alanine 320 with threonine.
Molecular consequence: missense variant.
Genome position (GRCh38, 1-based): chr6:49,453,710, C>T on the plus strand (G>A on the coding strand, the complement: MMUT is on the minus strand). VCF-style: chr6-49453710-C-T. GRCh37 (hg19) VCF-style: chr6-49421423-C-T.
Other names: short protein forms A320T.
Identifiers: ClinVar variation 2169515 (VCV002169515.2), dbSNP rs2481339167, ClinGen allele CA364400857.

ClinVar aggregate classification (germline): Uncertain significance. Review status: criteria provided, multiple submitters, no conflicts (2 of 4 stars). 2 submissions from 2 submitters: Uncertain significance (2). Last evaluated 2025-07-22.

Submissions (2):

Women's Health and Genetics/Laboratory Corporation of America, LabCorp
Classification: Uncertain significance. Last evaluated: 2025-07-22. Review status: criteria provided, single submitter. Criteria: LabCorp Variant Classification Summary - May 2015. Collection method: clinical testing. Allele origin: germline.
Comment: Variant summary: MMUT c.958G>A (p.Ala320Thr) results in a non-conservative amino acid change in the encoded protein sequence. Algorithms developed to predict the effect of missense changes on protein structure and function all suggest that this variant is likely to be disruptive. The variant was absent in 1606382 control chromosomes. c.958G>A has been observed as homozygous genotype in an individual affected with Methylmalonic Acidemia (Keyfi_2019). These data indicate that the variant may be associated with disease. To our knowledge, no experimental evidence demonstrating an impact on protein function has been reported. The following publication have been ascertained in the context of this evaluation (PMID: 30712249). ClinVar contains an entry for this variant (Variation ID: 2169515). Based on the evidence outlined above, the variant was classified as VUS-possibly pathogenic.

Labcorp Genetics (formerly Invitae), Labcorp
Classification: Uncertain significance. Last evaluated: 2022-10-16. Review status: criteria provided, single submitter. Criteria: Invitae Variant Classification Sherloc (09022015). Collection method: clinical testing. Allele origin: germline.
Comment: This sequence change replaces alanine, which is neutral and non-polar, with threonine, which is neutral and polar, at codon 320 of the MUT protein (p.Ala320Thr). This variant is not present in population databases (gnomAD no frequency). This missense change has been observed in individual(s) with methylmalonic aciduria (PMID: 30712249). Advanced modeling of protein sequence and biophysical properties (such as structural, functional, and spatial information, amino acid conservation, physicochemical variation, residue mobility, and thermodynamic stability) performed at Invitae indicates that this missense variant is expected to disrupt MUT protein function. In summary, the available evidence is currently insufficient to determine the role of this variant in disease. Therefore, it has been classified as a Variant of Uncertain Significance.

Literature cited by the submitters: PubMed 30712249 (cited by Women's Health and Genetics/Laboratory Corporation of America, LabCorp and Labcorp Genetics (formerly Invitae), Labcorp).